The following is an entry in ClinVar:

NM_006915.3(RP2):c.813del (p.Ser271_Met272insTer)

Gene: RP2 (RP2 activator of ARL3 GTPase; plus strand). Cytogenetic location: Xp11.3.
Variant type: Deletion.
Coding change: c.813del on transcript NM_006915.3 (MANE Select); coding-DNA position 813, one base deleted (C; older notation c.813delC).
Protein change: p.Ser271_Met272insTer.
Molecular consequence: frameshift variant.
Genome position (GRCh38, 1-based): chrX:46,860,032, C deleted; the last of 2 consecutive C bases (chrX:46,860,031-46,860,032); deleting either gives the same sequence. VCF-style (leftmost placement, unchanged base first): chrX-46860030-TC-T. GRCh37 (hg19) VCF-style: chrX-46719465-TC-T.
Identifiers: ClinVar variation 4727406 (VCV004727406.1).

ClinVar aggregate classification (germline): Pathogenic (1 of 4 stars; one submission).

Submission:

Labcorp Genetics (formerly Invitae), Labcorp
Classification: Pathogenic. Last evaluated: 2025-10-12. Review status: criteria provided, single submitter. Criteria: Invitae Variant Classification Sherloc (09022015). Collection method: clinical testing. Allele origin: germline.
Comment: This sequence change creates a premature translational stop signal (p.Met272*) in the RP2 gene. It is expected to result in an absent or disrupted protein product. Loss-of-function variants in RP2 are known to be pathogenic (PMID: 11992260, 20625056). This variant is not present in population databases (gnomAD no frequency). This variant has not been reported in the literature in individuals affected with RP2-related conditions. For these reasons, this variant has been classified as Pathogenic.

Literature cited by the submitters: PubMed 11992260; PubMed 20625056.